The following is an entry in ClinVar:

ClinVar aggregate classification (germline): Uncertain significance (1 of 4 stars; one submission).

Submission:

GeneDx
Classification: Uncertain significance. Last evaluated: 2021-01-04. Review status: criteria provided, single submitter. Criteria: GeneDx Variant Classification Process June 2021. Collection method: clinical testing. Allele origin: germline. Affected: yes.
Comment: Not observed in large population cohorts (Lek et al., 2016); Frameshift variant predicted to result in protein truncation or nonsense mediated decay in a gene for which loss-of-function is not a known mechanism of disease; Has not been previously published as pathogenic or benign to our knowledge

NM_005458.8(GABBR2):c.288del (p.Tyr97fs)

Gene: GABBR2 (gamma-aminobutyric acid type B receptor subunit 2; minus strand). Cytogenetic location: 9q22.33.
Variant type: Deletion.
Coding change: c.288del on transcript NM_005458.8 (MANE Select); coding-DNA position 288, one base deleted (C; older notation c.288delC).
Protein change: p.Tyr97fs; shifts the reading frame from tyrosine 97.
Molecular consequence: frameshift variant.
Genome position (GRCh38, 1-based): chr9:98,708,450, G deleted on the plus strand (C on the coding strand, the reverse complement: GABBR2 is on the minus strand); the first of 4 consecutive G bases (chr9:98,708,450-98,708,453); deleting any one gives the same sequence. VCF-style (leftmost placement, unchanged base first): chr9-98708449-AG-A. GRCh37 (hg19) VCF-style: chr9-101470731-AG-A.
Other names: short protein forms Y97fs.
Identifiers: ClinVar variation 1313880 (VCV001313880.2), dbSNP rs2131892859, ClinGen allele CA2573053216.